The following is an entry in ClinVar:

NM_024529.5(CDC73):c.1533C>A (p.Phe511Leu)

Gene: CDC73 (cell division cycle 73; plus strand). Cytogenetic location: 1q31.2.
Variant type: single nucleotide variant.
Coding change: c.1533C>A on transcript NM_024529.5 (MANE Select); coding-DNA position 1533, C replaced by A.
Protein change: p.Phe511Leu; replaces phenylalanine 511 with leucine.
Molecular consequence: missense variant.
Genome position (GRCh38, 1-based): chr1:193,249,845, C>A. VCF-style: chr1-193249845-C-A. GRCh37 (hg19) VCF-style: chr1-193218975-C-A.
Other names: short protein forms F511L.
Identifiers: ClinVar variation 3227862 (VCV003227862.2), dbSNP rs2102073575, ClinGen allele CA344078600.

ClinVar aggregate classification (germline): Uncertain significance. Review status: criteria provided, multiple submitters, no conflicts (2 of 4 stars). 2 submissions from 2 submitters: Uncertain significance (2). Last evaluated 2024-04-08.

Conditions:
Hereditary cancer-predisposing syndrome. Also called: Hereditary Cancer Syndrome; Tumor predisposition; Neoplastic Syndromes, Hereditary; Hereditary neoplastic syndrome. Identifiers: Orphanet 140162, MedGen C0027672, MeSH D009386, MONDO:0015356.
Hyperparathyroidism 1 (HRPT1). Also called: HYPERPARATHYROIDISM, FAMILIAL ISOLATED PRIMARY. Identifiers: Orphanet 99879, MedGen C1840402, MONDO:0007767, OMIM 145000.
Parathyroid carcinoma (PRTC). Also called: Parathyroid gland carcinoma; CDC73-Related Parathyroid Carcinoma. Identifiers: Orphanet 143, MedGen C0687150, MONDO:0012004, OMIM 608266, HP:0006780.
Hyperparathyroidism 2 with jaw tumors. Also called: Hyperparathyroidism 2; Hyperparathyroidism-Jaw Tumor Syndrome; HYPERPARATHYROIDISM, FAMILIAL PRIMARY, WITH MULTIPLE OSSIFYING JAW FIBROMAS; HYPERPARATHYROIDISM-JAW TUMOR SYNDROME, HEREDITARY. Identifiers: Orphanet 99880, MedGen C1704981, MONDO:0007768, OMIM 145001.

Submissions (2):

Fulgent Genetics
Classification: Uncertain significance for Hyperparathyroidism 1; Hyperparathyroidism 2 with jaw tumors; Parathyroid carcinoma. Last evaluated: 2024-04-08. Review status: criteria provided, single submitter. Criteria: ACMG Guidelines, 2015. Collection method: clinical testing. Allele origin: germline.

Ambry Genetics
Classification: Uncertain significance for Hereditary cancer-predisposing syndrome. Last evaluated: 2024-01-25. Review status: criteria provided, single submitter. Criteria: Ambry Variant Classification Scheme 2023. Collection method: clinical testing. Allele origin: germline.
Comment: The p.F511L variant (also known as c.1533C>A), located in coding exon 16 of the CDC73 gene, results from a C to A substitution at nucleotide position 1533. The phenylalanine at codon 511 is replaced by leucine, an amino acid with highly similar properties. This amino acid position is conserved. In addition, this alteration is predicted to be tolerated by in silico analysis. Based on the available evidence, the clinical significance of this alteration remains unclear.